The following is an entry in ClinVar:

ClinVar aggregate classification (germline): Uncertain significance (1 of 4 stars; one submission).

Conditions:
Inborn genetic diseases. Identifiers: MedGen C0950123, MeSH D030342.

gnomAD v4.1: 1 of 1,516,494 alleles (0.000066%); highest among the groups gnomAD compares: Non-Finnish European, 0.000088%; no homozygotes.

Submission:

Ambry Genetics
Classification: Uncertain significance for Inborn genetic diseases. Last evaluated: 2025-11-16. Review status: criteria provided, single submitter. Criteria: Ambry Variant Classification Scheme 2023. Collection method: clinical testing. Allele origin: germline.
Comment: The p.R1135C variant (also known as c.3403C>T), located in coding exon 25 of the LTBP3 gene, results from a C to T substitution at nucleotide position 3403. The arginine at codon 1135 is replaced by cysteine, an amino acid with highly dissimilar properties. This amino acid position is conserved. In addition, this alteration is predicted to be deleterious by in silico analysis. Based on the available evidence, the clinical significance of this variant remains unclear.

NM_001130144.3(LTBP3):c.3403C>T (p.Arg1135Cys)

Gene: LTBP3 (latent transforming growth factor beta binding protein 3; minus strand). Cytogenetic location: 11q13.1.
Variant type: single nucleotide variant.
Coding change: c.3403C>T on transcript NM_001130144.3 (MANE Select); coding-DNA position 3403, C replaced by T.
Protein change: p.Arg1135Cys; replaces arginine 1135 with cysteine.
Molecular consequence: missense variant.
Genome position (GRCh38, 1-based): chr11:65,539,864, G>A on the plus strand (C>T on the coding strand, the complement: LTBP3 is on the minus strand). VCF-style: chr11-65539864-G-A. GRCh37 (hg19) VCF-style: chr11-65307335-G-A.
Other names: c.2911C>T, p.Arg971Cys (NM_001164266.1); c.3262C>T, p.Arg1088Cys (NM_021070.4); short protein forms R1088C, R1135C, R971C.
Identifiers: ClinVar variation 4624010 (VCV004624010.1).